The following is an entry in ClinVar:

ClinVar aggregate classification (germline): Uncertain significance (1 of 4 stars; one submission).

Conditions:
Malignant hyperthermia, susceptibility to, 1 (MHS1). Also called: RYR1-Related Malignant Hyperthermia Susceptibility; Anesthesia related hyperthermia; Malignant hyperpyrexia; Fulminating hyperpyrexia; Pharmacogenic myopathy; Malignant hyperthermia suceptibility 1. Identifiers: Orphanet 423, MedGen C2930980, MONDO:0007783, OMIM 145600.

Submission:

All of Us Research Program, National Institutes of Health
Classification: Uncertain significance for Malignant hyperthermia, susceptibility to, 1. Last evaluated: 2023-05-04. Review status: criteria provided, single submitter. Criteria: ACMG Guidelines, 2015. Collection method: clinical testing. Allele origin: germline. Inheritance: Autosomal dominant inheritance. Observed: 2 variant alleles, 2 heterozygotes.
Comment: This missense variant replaces leucine with methionine at codon 2097 of the RYR1 protein. Computational prediction is inconclusive regarding the impact of this variant on protein structure and function (internally defined REVEL score threshold 0.5 < inconclusive < 0.7, PMID: 27666373). To our knowledge, functional studies have not been reported for this variant. This variant has not been reported in individuals affected with RYR1-related disorders in the literature. This variant has not been identified in the general population by the Genome Aggregation Database (gnomAD). The available evidence is insufficient to determine the role of this variant in disease conclusively. Therefore, this variant is classified as a Variant of Uncertain Significance.

This study involves interpretation of variants in research participants for the purpose of population health screening. Participant phenotype was not available at the time of variant classification. Additional details can be found in publication PMID: 35346344, PMCID: PMC8962531

NM_000540.3(RYR1):c.6289C>A (p.Leu2097Met)

Gene: RYR1 (ryanodine receptor 1; plus strand). Cytogenetic location: 19q13.2.
Variant type: single nucleotide variant.
Coding change: c.6289C>A on transcript NM_000540.3 (MANE Select); coding-DNA position 6289, C replaced by A.
Protein change: p.Leu2097Met; replaces leucine 2097 with methionine.
Molecular consequence: missense variant.
Genome position (GRCh38, 1-based): chr19:38,494,366, C>A. VCF-style: chr19-38494366-C-A. GRCh37 (hg19) VCF-style: chr19-38985006-C-A.
Other names: c.6289C>A, p.Leu2097Met (NM_001042723.2); short protein forms L2097M.
Identifiers: ClinVar variation 3069585 (VCV003069585.1), dbSNP rs2514273882, ClinGen allele CA405663333.